The following is an entry in ClinVar:

NM_153209.4(KIF19):c.1980+8G>A

Gene: KIF19 (kinesin family member 19; plus strand). Cytogenetic location: 17q25.1.
Variant type: single nucleotide variant.
Coding change: c.1980+8G>A on transcript NM_153209.4 (MANE Select); 8 bases into the intron after coding-DNA position 1980, G replaced by A.
Molecular consequence: intron variant.
Genome position (GRCh38, 1-based): chr17:74,352,348, G>A. VCF-style: chr17-74352348-G-A. GRCh37 (hg19) VCF-style: chr17-72348487-G-A.
Identifiers: ClinVar variation 2648193 (VCV002648193.24), dbSNP rs750350604, ClinGen allele CA8746667.

ClinVar aggregate classification (germline): Likely benign (1 of 4 stars; one submission).

Allele frequency attached by ClinVar (database versions not stated): gnomAD exomes 0.00001; gnomAD 0.00002; ExAC 0.00004; TOPMed 0.00006.
gnomAD v4.1: 24 of 1,601,014 alleles (0.0015%); highest among the groups gnomAD compares: Admixed American, 0.033%; no homozygotes.

Submission:

CeGaT Center for Human Genetics Tuebingen
Classification: Likely benign. Last evaluated: 2022-08-01. Review status: criteria provided, single submitter. Criteria: CeGaT Center For Human Genetics Tuebingen Variant Classification Criteria Version 2. Collection method: clinical testing. Allele origin: germline. Affected: yes. Observed: 1 variant allele.
Comment: KIF19: BP4